The following is an entry in ClinVar:

ClinVar aggregate classification (germline): Uncertain significance (1 of 4 stars; one submission).

Conditions:
Cardiovascular phenotype. Identifiers: MedGen CN230736.

Submission:

Ambry Genetics
Classification: Uncertain significance for Cardiovascular phenotype. Last evaluated: 2022-04-04. Review status: criteria provided, single submitter. Criteria: Ambry Variant Classification Scheme 2023. Collection method: clinical testing. Allele origin: germline.
Comment: The p.V1823G variant (also known as c.5468T>G), located in coding exon 39 of the ABCA1 gene, results from a T to G substitution at nucleotide position 5468. The valine at codon 1823 is replaced by glycine, an amino acid with dissimilar properties. This amino acid position is conserved. In addition, this alteration is predicted to be deleterious by in silico analysis. Since supporting evidence is limited at this time, the clinical significance of this alteration remains unclear.

NM_005502.4(ABCA1):c.5468T>G (p.Val1823Gly)

Gene: ABCA1 (ATP binding cassette subfamily A member 1; minus strand). Cytogenetic location: 9q31.1.
Variant type: single nucleotide variant.
Coding change: c.5468T>G on transcript NM_005502.4 (MANE Select); coding-DNA position 5468, T replaced by G.
Protein change: p.Val1823Gly; replaces valine 1823 with glycine.
Molecular consequence: missense variant.
Genome position (GRCh38, 1-based): chr9:104,794,425, A>C on the plus strand (T>G on the coding strand, the complement: ABCA1 is on the minus strand). VCF-style: chr9-104794425-A-C. GRCh37 (hg19) VCF-style: chr9-107556706-A-C.
Other names: short protein forms V1823G.
Identifiers: ClinVar variation 1747702 (VCV001747702.2), dbSNP rs2538057781, ClinGen allele CA374312863.